The following is an entry in ClinVar:

NM_138387.4(G6PC3):c.137C>T (p.Ala46Val)

Genes: G6PC3 (glucose-6-phosphatase catalytic subunit 3; plus strand), LOC130060959 (ATAC-STARR-seq lymphoblastoid active region 12250; plus strand). Cytogenetic location: 17q21.31.
Variant type: single nucleotide variant.
Coding change: c.137C>T on transcript NM_138387.4 (MANE Select); coding-DNA position 137, C replaced by T.
Protein change: p.Ala46Val; replaces alanine 46 with valine.
Molecular consequence: missense variant. On other transcripts: 5 prime UTR variant (3), intron variant (1).
Genome position (GRCh38, 1-based): chr17:44,071,102, C>T. VCF-style: chr17-44071102-C-T. GRCh37 (hg19) VCF-style: chr17-42148470-C-T.
Other names: c.137C>T, p.Ala46Val (NM_001319945.2); c.-268C>T (NM_001384165.1); c.-403C>T (NM_001384166.1); c.-393C>T (NM_001384167.1); c.-312+388C>T (NM_001384168.1); short protein forms A46V.
Identifiers: ClinVar variation 4871586 (VCV004871586.1).

ClinVar aggregate classification (germline): Uncertain significance (1 of 4 stars; one submission).

Conditions:
Inborn genetic diseases. Identifiers: MedGen C0950123, MeSH D030342.

Submission:

Ambry Genetics
Classification: Uncertain significance for Inborn genetic diseases. Last evaluated: 2026-03-31. Review status: criteria provided, single submitter. Criteria: Ambry Variant Classification Scheme 2023. Collection method: clinical testing. Allele origin: germline.
Comment: The p.A46V variant (also known as c.137C>T), located in coding exon 1 of the G6PC3 gene, results from a C to T substitution at nucleotide position 137. The alanine at codon 46 is replaced by valine, an amino acid with similar properties. This amino acid position is conserved. In addition, this alteration is predicted to be tolerated by in silico analysis. Based on the available evidence, the clinical significance of this variant remains unclear.